The following is an entry in ClinVar:

NC_000022.10:g.(?_24129357)_(24135885_?)dup

Gene: SMARCB1 (SWI/SNF related BAF chromatin remodeling complex subunit B1; plus strand). Cytogenetic location: 22q11.23.
Variant type: Duplication.
Identifiers: ClinVar variation 3248104 (VCV003248104.1).

ClinVar aggregate classification (germline): Uncertain significance (1 of 4 stars; one submission).

Submission:

Labcorp Genetics (formerly Invitae), Labcorp
Classification: Uncertain significance. Last evaluated: 2023-09-15. Review status: criteria provided, single submitter. Criteria: Invitae Variant Classification Sherloc (09022015). Collection method: clinical testing. Allele origin: unknown.
Comment: In summary, the available evidence is currently insufficient to determine the role of this variant in disease. Therefore, it has been classified as a Variant of Uncertain Significance. This variant results in a copy number gain of the genomic region encompassing exon(s) 1-3 of the SMARCB1 gene. This region includes the initiator codon of the gene. This copy number gain extends beyond the assayed region for this gene and therefore may encompass additional genes. As the precise location of this event is unknown, it may be in tandem or it may be located elsewhere in the genome. This variant has not been reported in the literature in individuals affected with SMARCB1-related conditions.